The following is an entry in ClinVar:

ClinVar aggregate classification (germline): Pathogenic. Review status: reviewed by expert panel (3 of 4 stars). 2 submissions from 2 submitters: Pathogenic (1). 1 of the submissions does not count toward it. Last evaluated 2024-09-04.

Conditions:
Glycogen storage disease, type II (IOPD). Also called: CARDIOMEGALIA GLYCOGENICA DIFFUSA; GLYCOGENOSIS, GENERALIZED, CARDIAC FORM; GSD II; Glycogen storage disease type 2; Acid maltase deficiency disease; Aglucosidase alfa. Identifiers: Orphanet 365, MedGen C0017921, MONDO:0009290, OMIM 232300.

Submissions (2):

ClinGen Lysosomal Storage Disorder Variant Curation Expert Panel
Classification: Pathogenic for Glycogen storage disease, type II. Last evaluated: 2024-09-04. Review status: reviewed by expert panel. Criteria: clingen_lsd_acmg_specifications_v2-1. Collection method: curation. Allele origin: germline. Inheritance: Autosomal recessive inheritance.
Comment: The NM_000152.5:c.828_850del (p.Thr277AlafsTer45) variant in GAA is a frameshift variant that is predicted to cause a premature stop codon in biologically-relevant-exon 6 (GAA has 20 exons), leading to nonsense mediated decay in a gene in which loss-of-function is an established disease mechanism (PVS1). One patient with clinical symptoms consistent with infantile onset Pompe disease and documented laboratory values showing deficient (<10% normal) activity in lymphocytes has been reported (PMID: 12923862)(PP4_Moderate). This patient is compound heterozygous for the variant and another variant in GAA that has been classified as pathogenic, c.2188G>T (p.Glu730Ter) (ClinVar Variation ID: 495665, SCV001371759.1). The variants were confirmed to be in trans by parental testing (PMID: 12923862). The c.2188G>T (p.Glu730Ter) variant would be classified as pathogenic even without the in trans data from this patient; confirmed in trans by parental testing, thus avoiding circular logic. This variant is not in gnomAD v2.1.1. or v4.1.0. (PM2_Supporting). In summary, this variant meets the criteria to be classified as pathogenic for Pompe disease. GAA-specific ACMG/AMP criteria met, as classified by the ClinGen Lysosomal Diseases Variant Curation Expert Panel (Specifications Version 2.0): PVS1, PM3, PP4_Moderate, PM2_Supporting. (Classification approved by the ClinGen Lysosomal Diseases Variant Curation Expert Panel on September 4, 2024)

Genomenon, Inc
Classification: Pathogenic for Glycogen storage disease, type II. Last evaluated: 2026-07-01. Review status: criteria provided, single submitter. Criteria: Genomenon Sequence Variant Interpretation Standards - Updated. Collection method: curation. Allele origin: germline. Affected: yes. Not counted in ClinVar's aggregate classification.
Comment: GAA p.Thr277AlafsTer45 (c.829_851del) is a frameshift variant that is predicted to introduce a premature termination codon and result in a truncated or absent protein product. This variant has been observed in at least one proband with a GAA-related disorder (PMID:12923862). It is absent or not present at a significant frequency in gnomAD. In conclusion, we classify GAA p.Thr277AlafsTer45 (c.829_851del) as a pathogenic variant.

Literature cited by the submitters: PubMed 12923862 (cited by Genomenon, Inc).

NM_000152.5(GAA):c.829_851del (p.Thr277fs)

Gene: GAA (alpha glucosidase; plus strand). Cytogenetic location: 17q25.3.
Variant type: Deletion.
Coding change: c.829_851del on transcript NM_000152.5 (MANE Select); coding-DNA positions 829 to 851, 23 bases deleted (ACCCTGTGGAACCGGGACCTTGC).
Protein change: p.Thr277fs; shifts the reading frame from threonine 277.
Molecular consequence: frameshift variant.
Genome position (GRCh38, 1-based): chr17:80,107,693-80,107,715, ACCCTGTGGAACCGGGACCTTGC deleted; deleting any 23 consecutive bases within chr17:80,107,692-80,107,715 gives the same sequence; the c. name uses the placement nearest the transcript's 3' end. VCF-style (leftmost placement, unchanged base first): chr17-80107691-TCACCCTGTGGAACCGGGACCTTG-T. GRCh37 (hg19) VCF-style: chr17-78081490-TCACCCTGTGGAACCGGGACCTTG-T.
Other names: NM_000152.5:c.829_851del; c.829_851del, p.Thr277fs (NM_001079803.3, NM_001079804.3, NM_001406741.1 and 1 more transcripts); short protein forms T277fs.
Identifiers: ClinVar variation 3544353 (VCV003544353.2).
Genomic context (GRCh38, chr17:80,107,691, plus strand): 5'-ATATCACAGGCCTCGCCGAGCACCTCAGTCCCCTGATGCTCAGCACCAGCTGGACCAGGA[TCACCCTGTGGAACCGGGACCTTG>T]CGCCCACGGTACAGCGGCGGGCGGCGGGCGGGGGCACTGAGCTGGGGAGCGCAGGTGCTG-3'